The following is an entry in ClinVar:

NM_000503.6(EYA1):c.1372C>G (p.Pro458Ala)

Gene: EYA1 (EYA transcriptional coactivator and phosphatase 1; minus strand). Cytogenetic location: 8q13.3.
Variant type: single nucleotide variant.
Coding change: c.1372C>G on transcript NM_000503.6 (MANE Select); coding-DNA position 1372, C replaced by G.
Protein change: p.Pro458Ala; replaces proline 458 with alanine.
Molecular consequence: missense variant.
Genome position (GRCh38, 1-based): chr8:71,215,717, G>C on the plus strand (C>G on the coding strand, the complement: EYA1 is on the minus strand). VCF-style: chr8-71215717-G-C. GRCh37 (hg19) VCF-style: chr8-72127952-G-C.
Other names: c.1354C>G, p.Pro452Ala (NM_001288574.2, NM_172059.5); c.1006C>G, p.Pro336Ala (NM_001288575.2); c.1459C>G, p.Pro487Ala (NM_001370333.1); c.1372C>G, p.Pro458Ala (NM_001370334.1, NM_001370335.1, NM_172058.4); c.1351C>G, p.Pro451Ala (NM_001370336.1); c.1273C>G, p.Pro425Ala (NM_001411797.1, NM_172060.4); short protein forms P336A, P487A, P458A, P425A, P451A, P452A.
Identifiers: ClinVar variation 5007344 (VCV005007344.2).

ClinVar aggregate classification (germline): Uncertain significance (1 of 4 stars; one submission).

Conditions:
Otofaciocervical syndrome 1 (OTFCS). Identifiers: MedGen C3714941, MONDO:0024532, OMIM 166780.
Branchiootic syndrome 1 (BOS1). Also called: BO SYNDROME 1; BRANCHIOOTIC DYSPLASIA. Identifiers: MedGen C1865143, MONDO:0011258, OMIM 602588.
Branchiootorenal syndrome 1. Also called: Branchio-Oto-Renal Syndrome 1. Identifiers: Orphanet 107, MedGen C4551702, MONDO:0007236, OMIM 113650.

gnomAD v4.1: 7 of 1,612,108 alleles (0.00043%); highest among the groups gnomAD compares: East Asian, 0.0067%; no homozygotes.

Submission:

Juno Genomics, Hangzhou Juno Genomics, Inc
Classification: Uncertain significance for Otofaciocervical syndrome 1; Branchiootic syndrome 1; Branchiootorenal syndrome 1. Review status: criteria provided, single submitter. Criteria: ACMG Guidelines, 2015. Collection method: clinical testing. Allele origin: germline.
Comment: Absent from controls (or at extremely low frequency if recessive) in Genome Aggregation Database.